The following is an entry in ClinVar:

NM_033453.4(ITPA):c.190-12T>G

Gene: ITPA (inosine triphosphatase; plus strand). Cytogenetic location: 20p13.
Variant type: single nucleotide variant.
Coding change: c.190-12T>G on transcript NM_033453.4 (MANE Select); 12 bases into the intron before coding-DNA position 190, T replaced by G.
Molecular consequence: intron variant.
Genome position (GRCh38, 1-based): chr20:3,213,973, T>G. VCF-style: chr20-3213973-T-G. GRCh37 (hg19) VCF-style: chr20-3194619-T-G.
Other names: c.-148-12T>G (NM_001324237.2, NM_001324238.2, NM_001324236.2 and 1 more transcripts); c.190-12T>G (NM_001324240.2); c.67-12T>G (NM_001267623.2); c.139-12T>G (NM_181493.4).
Identifiers: ClinVar variation 1996926 (VCV001996926.4), dbSNP rs1214254368, ClinGen allele CA2580097992.

ClinVar aggregate classification (germline): Uncertain significance (1 of 4 stars; one submission).

Conditions:
Inosine triphosphatase deficiency. Also called: INOSINE TRIPHOSPHATE PYROPHOSPHOHYDROLASE DEFICIENCY. Identifiers: MedGen C0342800, MONDO:0013461, OMIM 613850.

Submission:

Labcorp Genetics (formerly Invitae), Labcorp
Classification: Uncertain significance for Inosine triphosphatase deficiency. Last evaluated: 2022-09-01. Review status: criteria provided, single submitter. Criteria: Invitae Variant Classification Sherloc (09022015). Collection method: clinical testing. Allele origin: germline.
Comment: In summary, the available evidence is currently insufficient to determine the role of this variant in disease. Therefore, it has been classified as a Variant of Uncertain Significance. Algorithms developed to predict the effect of sequence changes on RNA splicing suggest that this variant may disrupt the consensus splice site. This variant has not been reported in the literature in individuals affected with ITPA-related conditions. This variant is not present in population databases (gnomAD no frequency). This sequence change falls in intron 3 of the ITPA gene. It does not directly change the encoded amino acid sequence of the ITPA protein.